The following is an entry in ClinVar:

NM_001001331.4(ATP2B2):c.2316+1G>T

Gene: ATP2B2 (ATPase plasma membrane Ca2+ transporting 2; minus strand). Cytogenetic location: 3p25.3.
Variant type: single nucleotide variant.
Coding change: c.2316+1G>T on transcript NM_001001331.4 (MANE Select); the canonical splice donor site of the intron after coding-DNA position 2316, G replaced by T.
Molecular consequence: splice donor variant.
Genome position (GRCh38, 1-based): chr3:10,350,397, C>A on the plus strand (G>T on the coding strand, the complement: ATP2B2 is on the minus strand). VCF-style: chr3-10350397-C-A. GRCh37 (hg19) VCF-style: chr3-10392081-C-A.
Other names: c.2181+1G>T (NM_001353564.1, NM_001683.5, NM_001330611.3 and 1 more transcripts).
Identifiers: ClinVar variation 2699727 (VCV002699727.3), dbSNP rs2470212537, ClinGen allele CA351779571.

ClinVar aggregate classification (germline): Likely pathogenic (1 of 4 stars; one submission).

Submission:

Labcorp Genetics (formerly Invitae), Labcorp
Classification: Likely pathogenic. Last evaluated: 2024-07-31. Review status: criteria provided, single submitter. Criteria: Invitae Variant Classification Sherloc (09022015). Collection method: clinical testing. Allele origin: germline.
Comment: This sequence change affects a donor splice site in intron 12 of the ATP2B2 gene. It is expected to disrupt RNA splicing. Variants that disrupt the donor or acceptor splice site typically lead to a loss of protein function (PMID: 16199547), and loss-of-function variants in ATP2B2 are known to be pathogenic (PMID: 30535804). This variant is not present in population databases (gnomAD no frequency). This variant has not been reported in the literature in individuals affected with ATP2B2-related conditions. Algorithms developed to predict the effect of sequence changes on RNA splicing suggest that this variant may disrupt the consensus splice site. In summary, the currently available evidence indicates that the variant is pathogenic, but additional data are needed to prove that conclusively. Therefore, this variant has been classified as Likely Pathogenic.

Literature cited by the submitters: PubMed 16199547; PubMed 30535804.